The following is an entry in ClinVar:

NM_000349.3(STAR):c.179-2A>G

Gene: STAR (steroidogenic acute regulatory protein; minus strand). Cytogenetic location: 8p11.23.
Variant type: single nucleotide variant.
Coding change: c.179-2A>G on transcript NM_000349.3 (MANE Select); the canonical splice acceptor site of the intron before coding-DNA position 179, A replaced by G.
Molecular consequence: splice acceptor variant.
Genome position (GRCh38, 1-based): chr8:38,148,329, T>C on the plus strand (A>G on the coding strand, the complement: STAR is on the minus strand). VCF-style: chr8-38148329-T-C. GRCh37 (hg19) VCF-style: chr8-38005847-T-C.
Identifiers: ClinVar variation 555439 (VCV000555439.3), dbSNP rs1554502986, ClinGen allele CA370703298.

ClinVar aggregate classification (germline): Likely pathogenic. Review status: criteria provided, single submitter (1 of 4 stars). 2 submissions from 2 submitters: Likely pathogenic (1). 1 of the submissions does not count toward it. Last evaluated 2025-12-23.

Conditions:
Congenital lipoid adrenal hyperplasia due to STAR deficency. Also called: ADRENAL HYPERPLASIA I; Congenital Lipoid Adrenal Hyperplasia; Lipoid adrenal hyperplasia; Cholesterol monooxygenase (side-chain cleaving) deficiency. Identifiers: Orphanet 418, Orphanet 90790, MedGen C0342474, MONDO:0008725, OMIM 201710.

Submissions (2):

Natera, Inc.
Classification: Likely pathogenic for Congenital lipoid adrenal hyperplasia. Last evaluated: 2025-12-23. Review status: criteria provided, single submitter. Criteria: Natera Variant Classification Schema (03/2026). Collection method: clinical testing. Allele origin: germline.
Comment: The c.179-2A>G variant in STAR is a canonical splice acceptor site variant predicted to affect pre-mRNA splicing, which may result in an abnormal transcript and altered protein product. This variant is expected to result in nonsense mediated decay, truncation, or a dysfunctional protein product. This variant is rare in the general population with a frequency below the threshold expected for the associated phenotype(s). Given the available evidence, this variant is classified as Likely Pathogenic.

Counsyl
Classification: Likely pathogenic for Congenital lipoid adrenal hyperplasia due to STAR deficency. Last evaluated: 2017-12-05. Review status: no assertion criteria provided. Collection method: clinical testing. Allele origin: unknown. Not counted in ClinVar's aggregate classification.